The following is an entry in ClinVar:

ClinVar aggregate classification (germline): Likely benign (1 of 4 stars; one submission).

Allele frequency attached by ClinVar (database versions not stated): gnomAD exomes below 0.00001.
gnomAD v4.1: 1 of 1,366,800 alleles (0.000073%); highest among the groups gnomAD compares: Non-Finnish European, 0.000098%; no homozygotes.

Submission:

GeneDx
Classification: Likely benign. Last evaluated: 2017-12-07. Review status: criteria provided, single submitter. Criteria: GeneDx Variant Classification (06012015). Collection method: clinical testing. Allele origin: germline. Affected: yes.
Comment: This variant is considered likely benign or benign based on one or more of the following criteria: it is a conservative change, it occurs at a poorly conserved position in the protein, it is predicted to be benign by multiple in silico algorithms, and/or has population frequency not consistent with disease.

NM_080680.3(COL11A2):c.1119+14G>A

Gene: COL11A2 (collagen type XI alpha 2 chain; minus strand). Cytogenetic location: 6p21.32.
Variant type: single nucleotide variant.
Coding change: c.1119+14G>A on transcript NM_080680.3 (MANE Select); 14 bases into the intron after coding-DNA position 1119, G replaced by A.
Molecular consequence: intron variant.
Genome position (GRCh38, 1-based): chr6:33,184,131, C>T on the plus strand (G>A on the coding strand, the complement: COL11A2 is on the minus strand). VCF-style: chr6-33184131-C-T. GRCh37 (hg19) VCF-style: chr6-33151908-C-T.
Other names: c.798+2496G>A (NM_080679.3); c.861+861G>A (NM_080681.3).
Identifiers: ClinVar variation 513982 (VCV000513982.1), dbSNP rs1554223383, ClinGen allele CA658796739.